The following is an entry in ClinVar:

NM_058216.3(RAD51C):c.608A>G (p.Asn203Ser)

Genes: RAD51C (RAD51 paralog C; plus strand), LOC129390903 (MPRA-validated peak2919 silencer; plus strand). Cytogenetic location: 17q22.
Variant type: single nucleotide variant.
Coding change: c.608A>G on transcript NM_058216.3 (MANE Select); coding-DNA position 608, A replaced by G.
Protein change: p.Asn203Ser; replaces asparagine 203 with serine.
Molecular consequence: missense variant. On other transcripts: non-coding transcript variant (1).
Genome position (GRCh38, 1-based): chr17:58,703,232, A>G. VCF-style: chr17-58703232-A-G. GRCh37 (hg19) VCF-style: chr17-56780593-A-G.
Other names: c.*36A>G (NM_058217.1); short protein forms N203S.
Identifiers: ClinVar variation 1717623 (VCV001717623.6), dbSNP rs2143797780, ClinGen allele CA400349288.

ClinVar aggregate classification (germline): Uncertain significance (1 of 4 stars; one submission).

Conditions:
Fanconi anemia complementation group O. Also called: RAD51C-Related Fanconi Anemia. Identifiers: Orphanet 84, MedGen C3150653, MONDO:0013248, OMIM 613390.

Submission:

Labcorp Genetics (formerly Invitae), Labcorp
Classification: Uncertain significance for Fanconi anemia complementation group O. Last evaluated: 2022-10-16. Review status: criteria provided, single submitter. Criteria: Invitae Variant Classification Sherloc (09022015). Collection method: clinical testing. Allele origin: germline.
Comment: This variant has not been reported in the literature in individuals affected with RAD51C-related conditions. This variant is not present in population databases (gnomAD no frequency). This sequence change replaces asparagine, which is neutral and polar, with serine, which is neutral and polar, at codon 203 of the RAD51C protein (p.Asn203Ser). In summary, the available evidence is currently insufficient to determine the role of this variant in disease. Therefore, it has been classified as a Variant of Uncertain Significance. Advanced modeling of protein sequence and biophysical properties (such as structural, functional, and spatial information, amino acid conservation, physicochemical variation, residue mobility, and thermodynamic stability) performed at Invitae indicates that this missense variant is not expected to disrupt RAD51C protein function.